The following is an entry in ClinVar:

ClinVar aggregate classification (germline): Pathogenic (1 of 4 stars; one submission).

Conditions:
Ehlers-Danlos syndrome due to tenascin-X deficiency (EDSCLL1). Also called: EDS DUE TO TNX DEFICIENCY; TNX DEFICIENCY; Ehlers-Danlos syndrome, classic-like, 1; EHLERS-DANLOS SYNDROME, CLASSIC-LIKE; TNXB-Related Classical-Like Ehlers-Danlos Syndrome. Identifiers: Orphanet 230839, MedGen C1848029, MONDO:0011670, OMIM 606408.

Submission:

Myriad Genetics, Inc.
Classification: Pathogenic for Ehlers-Danlos syndrome due to tenascin-X deficiency. Last evaluated: 2026-05-18. Review status: criteria provided, single submitter. Criteria: Myriad Autosomal Dominant, Autosomal Recessive and X-Linked Classification Criteria (2023). Collection method: clinical testing. Allele origin: unknown.
Comment: NM_019105.6(TNXB):c.1351delG(V451Ffs*120) is expected to be pathogenic in the context of classical-like Ehlers-Danlos syndrome, TNXB-related. This variant is predicted to lead to an abnormal or absent protein product due to the creation of a premature termination codon in TNXB, a gene where loss-of-function variants are known to be pathogenic. Please note: this variant was assessed in the context of healthy population screening.

NM_001365276.2(TNXB):c.1351del (p.Val451fs)

Gene: TNXB (tenascin XB; minus strand). Cytogenetic location: 6p21.33.
Variant type: Deletion.
Coding change: c.1351del on transcript NM_001365276.2 (MANE Select); coding-DNA position 1351, one base deleted (G; older notation c.1351delG).
Protein change: p.Val451fs; shifts the reading frame from valine 451.
Molecular consequence: frameshift variant.
Genome position (GRCh38, 1-based): chr6:32,096,502, C deleted on the plus strand (G on the coding strand, the reverse complement: TNXB is on the minus strand). VCF-style (leftmost placement, unchanged base first): chr6-32096501-AC-A. GRCh37 (hg19) VCF-style: chr6-32064278-AC-A.
Other names: c.1351del, p.Val451fs (NM_001428335.1, NM_019105.8); short protein forms V451fs.
Identifiers: ClinVar variation 5015926 (VCV005015926.1).